The following is an entry in ClinVar:

NM_000059.4(BRCA2):c.9649-243T>G

Gene: BRCA2 (BRCA2 DNA repair associated; plus strand). Cytogenetic location: 13q13.1.
Variant type: single nucleotide variant.
Coding change: c.9649-243T>G on transcript NM_000059.4 (MANE Select); 243 bases into the intron before coding-DNA position 9649, T replaced by G.
Molecular consequence: intron variant.
Genome position (GRCh38, 1-based): chr13:32,397,919, T>G. VCF-style: chr13-32397919-T-G. GRCh37 (hg19) VCF-style: chr13-32972056-T-G.
Other names: IVS 26-243T>G.
Identifiers: ClinVar variation 209922 (VCV000209922.3), dbSNP rs11571827, ClinGen allele CA276889.

ClinVar aggregate classification (germline): Benign. Review status: reviewed by expert panel (3 of 4 stars). 2 submissions from 2 submitters: Benign (1). 1 of the submissions does not count toward it. Last evaluated 2015-01-12.

Conditions:
Breast-ovarian cancer, familial, susceptibility to, 2 (BROVCA2). Also called: BRCA2 Hereditary Breast and Ovarian Cancer. Identifiers: Orphanet 145, MedGen C2675520, MONDO:0012933, OMIM 612555. Disease mechanism: loss of function.
Hereditary cancer-predisposing syndrome. Also called: Neoplastic Syndromes, Hereditary; Hereditary Cancer Syndrome; Tumor predisposition; Hereditary neoplastic syndrome. Identifiers: Orphanet 140162, MedGen C0027672, MeSH D009386, MONDO:0015356.

Allele frequency attached by ClinVar (database versions not stated): gnomAD 0.00090 and 0.00129; TOPMed 0.00152; 1000 Genomes Project 30x 0.00781; 1000 Genomes Project 0.00879.

Submissions (2):

Evidence-based Network for the Interpretation of Germline Mutant Alleles (ENIGMA)
Classification: Benign for Breast-ovarian cancer, familial 2. Last evaluated: 2015-01-12. Review status: reviewed by expert panel. Criteria: ENIGMA BRCA1/2 Classification Criteria (2015). Collection method: curation. Allele origin: germline.
Comment: Class 1 not pathogenic based on frequency >1% in an outbred sampleset. Frequency 0.02972 (Asian), derived from 1000 genomes (2012-04-30).

University of Washington Department of Laboratory Medicine, University of Washington
Classification: Likely benign for Hereditary cancer-predisposing syndrome. Last evaluated: 2015-12-01. Review status: no assertion criteria provided. Collection method: clinical testing. Allele origin: germline. Affected: yes. Not counted in ClinVar's aggregate classification.